The following is an entry in ClinVar:

ClinVar aggregate classification (germline): Uncertain significance (0 of 4 stars; one submission).

Conditions:
ATP1A1-related disorder. Also called: ATP1A1-related condition.

Allele frequency attached by ClinVar (database versions not stated): gnomAD exomes below 0.00001.
gnomAD v4.1: 2 of 1,613,654 alleles (0.00012%); highest among the groups gnomAD compares: Non-Finnish European, 0.00017%; no homozygotes.

Submission:

PreventionGenetics, part of Exact Sciences
Classification: Uncertain significance for ATP1A1-related condition. Last evaluated: 2023-11-03. Review status: no assertion criteria provided. Collection method: clinical testing. Allele origin: germline.
Comment: The ATP1A1 c.3044G>T variant is predicted to result in the amino acid substitution p.Gly1015Val. To our knowledge, this variant has not been reported in the literature or in a large population database, indicating this variant is rare. At this time, the clinical significance of this variant is uncertain due to the absence of conclusive functional and genetic evidence.

NM_000701.8(ATP1A1):c.3044G>T (p.Gly1015Val)

Genes: ATP1A1 (ATPase Na+/K+ transporting subunit alpha 1; plus strand), ATP1A1-AS1 (ATP1A1 antisense RNA 1; minus strand). Cytogenetic location: 1p13.1.
Variant type: single nucleotide variant.
Coding change: c.3044G>T on transcript NM_000701.8 (MANE Select); coding-DNA position 3044, G replaced by T.
Protein change: p.Gly1015Val; replaces glycine 1015 with valine.
Molecular consequence: missense variant.
Genome position (GRCh38, 1-based): chr1:116,404,416, G>T. VCF-style: chr1-116404416-G-T. GRCh37 (hg19) VCF-style: chr1-116947038-G-T.
Other names: c.3044G>T, p.Gly1015Val (NM_001160233.2); c.2951G>T, p.Gly984Val (NM_001160234.2); short protein forms G1015V, G984V.
Identifiers: ClinVar variation 3032847 (VCV003032847.2), dbSNP rs2525910693, ClinGen allele CA341777888.